The following is an entry in ClinVar:

ClinVar aggregate classification (germline): Uncertain significance. Review status: criteria provided, multiple submitters, no conflicts (2 of 4 stars). 3 submissions from 3 submitters: Uncertain significance (3). Last evaluated 2025-09-24.

Conditions:
Hereditary cancer-predisposing syndrome. Also called: Hereditary Cancer Syndrome; Hereditary neoplastic syndrome; Tumor predisposition; Neoplastic Syndromes, Hereditary. Identifiers: Orphanet 140162, MedGen C0027672, MeSH D009386, MONDO:0015356.
Hereditary diffuse gastric adenocarcinoma (HDGC). Also called: DIFFUSE GASTRIC AND LOBULAR BREAST CANCER SYNDROME. Identifiers: Orphanet 26106, MedGen C1708349, MONDO:0007648, OMIM 137215.
Familial cancer of breast. Also called: BREAST CANCER, FAMILIAL; hereditary breast carcinoma; Hereditary breast cancer. Identifiers: Orphanet 227535, MedGen C0346153, MONDO:0016419, OMIM 114480. Disease mechanism: loss of function.

Submissions (3):

Labcorp Genetics (formerly Invitae), Labcorp
Classification: Uncertain significance for Hereditary diffuse gastric adenocarcinoma. Last evaluated: 2025-09-24. Review status: criteria provided, single submitter. Criteria: Invitae Variant Classification Sherloc (09022015). Collection method: clinical testing. Allele origin: germline.
Comment: This sequence change replaces arginine, which is basic and polar, with glycine, which is neutral and non-polar, at codon 492 of the CDH1 protein (p.Arg492Gly). This variant is not present in population databases (gnomAD no frequency). This variant has not been reported in the literature in individuals affected with CDH1-related conditions. ClinVar contains an entry for this variant (Variation ID: 1356502). An algorithm developed to predict the effect of missense changes on protein structure and function (PolyPhen-2) suggests that this variant is likely to be tolerated. In summary, the available evidence is currently insufficient to determine the role of this variant in disease. Therefore, it has been classified as a Variant of Uncertain Significance.

Ambry Genetics
Classification: Uncertain significance for Hereditary cancer-predisposing syndrome. Last evaluated: 2025-02-13. Review status: criteria provided, single submitter. Criteria: Ambry Variant Classification Scheme 2023. Collection method: clinical testing. Allele origin: germline.
Comment: The p.R492G variant (also known as c.1474A>G), located in coding exon 10 of the CDH1 gene, results from an A to G substitution at nucleotide position 1474. The arginine at codon 492 is replaced by glycine, an amino acid with dissimilar properties. This amino acid position is not well conserved in available vertebrate species. In addition, this alteration is predicted to be tolerated by in silico analysis. Based on the available evidence, the clinical significance of this variant remains unclear.

Baylor Genetics
Classification: Uncertain significance for Familial cancer of breast. Last evaluated: 2024-02-19. Review status: criteria provided, single submitter. Criteria: ACMG Guidelines, 2015. Collection method: clinical testing. Allele origin: unknown.

NM_004360.5(CDH1):c.1474A>G (p.Arg492Gly)

Gene: CDH1 (cadherin 1; plus strand). Cytogenetic location: 16q22.1.
Variant type: single nucleotide variant.
Coding change: c.1474A>G on transcript NM_004360.5 (MANE Select); coding-DNA position 1474, A replaced by G.
Protein change: p.Arg492Gly; replaces arginine 492 with glycine.
Molecular consequence: missense variant. On other transcripts: 5 prime UTR variant (2).
Genome position (GRCh38, 1-based): chr16:68,815,668, A>G. VCF-style: chr16-68815668-A-G. GRCh37 (hg19) VCF-style: chr16-68849571-A-G.
Other names: c.1291A>G, p.Arg431Gly (NM_001317184.2); c.-75A>G (NM_001317185.2); c.-346A>G (NM_001317186.2); short protein forms R492G, R431G.
Identifiers: ClinVar variation 1356502 (VCV001356502.11), dbSNP rs2152134985, ClinGen allele CA396463146.